The following is an entry in ClinVar:

ClinVar aggregate classification (germline): Uncertain significance (1 of 4 stars; one submission).

Conditions:
Cardiovascular phenotype. Identifiers: MedGen CN230736.

gnomAD v4.1: 6 of 1,613,528 alleles (0.00037%); highest among the groups gnomAD compares: Admixed American, 0.005%; no homozygotes.

Submission:

Ambry Genetics
Classification: Uncertain significance for Cardiovascular phenotype. Last evaluated: 2025-03-06. Review status: criteria provided, single submitter. Criteria: Ambry Variant Classification Scheme 2023. Collection method: clinical testing. Allele origin: germline.
Comment: The c.616+3G>A intronic variant results from a G to A substitution 3 nucleotides after coding exon 6 in the LDLRAP1 gene. This nucleotide position is well conserved in available vertebrate species. In silico splice site analysis predicts that this alteration will not have any significant effect on splicing. Based on the available evidence, the clinical significance of this variant remains unclear.

NM_015627.3(LDLRAP1):c.616+3G>A

Gene: LDLRAP1 (low density lipoprotein receptor adaptor protein 1; plus strand). Cytogenetic location: 1p36.11.
Variant type: single nucleotide variant.
Coding change: c.616+3G>A on transcript NM_015627.3 (MANE Select); 3 bases into the intron after coding-DNA position 616, G replaced by A.
Molecular consequence: intron variant.
Genome position (GRCh38, 1-based): chr1:25,563,156, G>A. VCF-style: chr1-25563156-G-A. GRCh37 (hg19) VCF-style: chr1-25889647-G-A.
Identifiers: ClinVar variation 3866831 (VCV003866831.1).